The following is an entry in ClinVar:

ClinVar aggregate classification (germline): Uncertain significance (1 of 4 stars; one submission).

Conditions:
Inborn genetic diseases. Identifiers: MedGen C0950123, MeSH D030342.

Submission:

Ambry Genetics
Classification: Uncertain significance for Inborn genetic diseases. Last evaluated: 2026-08-16. Review status: criteria provided, single submitter. Criteria: Ambry Variant Classification Scheme 2023. Collection method: clinical testing. Allele origin: germline.
Comment: The p.L178V variant (also known as c.532C>G), located in coding exon 1 of the SH2B3 gene, results from a C to G substitution at nucleotide position 532. The leucine at codon 178 is replaced by valine, an amino acid with highly similar properties. This amino acid position is conserved. In addition, this alteration is predicted to be tolerated by in silico analysis. Based on the available evidence, the clinical significance of this variant remains unclear.

NM_005475.3(SH2B3):c.532C>G (p.Leu178Val)

Gene: SH2B3 (SH2B adaptor protein 3; plus strand). Cytogenetic location: 12q24.12.
Variant type: single nucleotide variant.
Coding change: c.532C>G on transcript NM_005475.3 (MANE Select); coding-DNA position 532, C replaced by G.
Protein change: p.Leu178Val; replaces leucine 178 with valine.
Molecular consequence: missense variant.
Genome position (GRCh38, 1-based): chr12:111,418,677, C>G. VCF-style: chr12-111418677-C-G. GRCh37 (hg19) VCF-style: chr12-111856481-C-G.
Other names: short protein forms L178V.
Identifiers: ClinVar variation 5029507 (VCV005029507.1).
Genomic context (GRCh38, chr12:111,418,677, plus strand): 5'-CACACCGCTGCCGCCCCCGGGACCCCCGGAGAGGCTGCTGAGACCCCCGCCCGGCCTGGC[C>G]TGGCCAAGAAGTTCCTGCCCTGGAGCCTGGCCCGGGAGCCGCCACCCGAGGCGCTGAAGG-3'
Protein context (NP_005466.1, residues 168-188): EAAETPARPG[Leu178Val]AKKFLPWSLA